The following is an entry in ClinVar:

ClinVar aggregate classification (germline): Pathogenic. Review status: criteria provided, multiple submitters, no conflicts (2 of 4 stars). 17 submissions from 15 submitters: Pathogenic (12). 5 of the submissions do not count toward it. Last evaluated 2025-11-28.

Conditions:
ALPL-related disorder. Also called: ALPL-related disorders; ALPL-related condition.
Childhood hypophosphatasia. Identifiers: Orphanet 247667, Orphanet 436, MedGen C0220743, MONDO:1010168, OMIM 241510, MONDO:0009428.
Infantile hypophosphatasia. Identifiers: Orphanet 247651, Orphanet 436, MedGen C0268412, MONDO:1010169, OMIM 241500, MONDO:0009427.
Adult hypophosphatasia. Identifiers: Orphanet 247676, Orphanet 436, MedGen C0268413, MONDO:1010154, OMIM 146300, MONDO:0007798.
Hypophosphatasia. Also called: Phosphoethanol-aminuria. Identifiers: Orphanet 436, MedGen C0020630, MeSH D007014, MONDO:0018570.
Odontohypophosphatasia. Identifiers: Orphanet 247685, MedGen C1840322, MONDO:0016607.

Allele frequency attached by ClinVar (database versions not stated): TOPMed 0.00001.
gnomAD v4.1: 36 of 1,613,836 alleles (0.0022%); highest among the groups gnomAD compares: Non-Finnish European, 0.0028%; no homozygotes.

Submissions (17):

Labcorp Genetics (formerly Invitae), Labcorp
Classification: Pathogenic. Last evaluated: 2025-11-28. Review status: criteria provided, single submitter. Criteria: Invitae Variant Classification Sherloc (09022015). Collection method: clinical testing. Allele origin: germline.
Comment: This sequence change replaces alanine, which is neutral and non-polar, with threonine, which is neutral and polar, at codon 116 of the ALPL protein (p.Ala116Thr). This variant is not present in population databases (gnomAD no frequency). This missense change has been observed in individuals with hypophosphatasias (PMID: 10679946, 10872988, 11438998, 12920074, 25731960). It has also been observed to segregate with disease in related individuals. This variant is also known as A94T and A99T. ClinVar contains an entry for this variant (Variation ID: 13677). Invitae Evidence Modeling of protein sequence and biophysical properties (such as structural, functional, and spatial information, amino acid conservation, physicochemical variation, residue mobility, and thermodynamic stability) indicates that this missense variant is expected to disrupt ALPL protein function with a positive predictive value of 95%. Experimental studies have shown that this missense change affects ALPL function (PMID: 21168482, 25716980). For these reasons, this variant has been classified as Pathogenic.

Genomenon, Inc
Classification: Pathogenic for Hypophosphatasia. Last evaluated: 2025-08-29. Review status: criteria provided, single submitter. Criteria: Genomenon Sequence Variant Interpretation Standards. Collection method: curation. Allele origin: germline. Affected: yes.
Comment: ALPL c.346G>A is a missense variant that changes the amino acid at residue 116 from Alanine to Threonine. This variant has been observed in multiple probands affected with hypophosphatasia (PMID:35878747;25731960;38884565;28663156;11438998;32973344;34164522;12920074;10872988). The variant was found to segregate with disease in at least one affected family (PMID:12920074;10872988;28663156). At least one functional study has demonstrated a substantial alteration in protein function relative to the wild-type (PMID:21168482;11479741;34164522;19500388;25982064). This variant has also been described as Ala99Thr in the literature. It is absent or not present at a significant frequency in gnomAD. In silico models agree that this variant is possibly or probably damaging. In conclusion, we classify ALPL p.Ala116Thr (c.346G>A) as a pathogenic variant.

Natera, Inc.
Classification: Pathogenic for Hypophosphatasia. Last evaluated: 2025-08-22. Review status: criteria provided, single submitter. Criteria: Natera Variant Classification Schema (03/2026). Collection method: clinical testing. Allele origin: germline.
Comment: The c.346G>A variant in ALPL is a missense variant predicted to cause substitution of alanine to threonine at amino acid 116. This variant is rare in the general population with a frequency below the threshold expected for the associated phenotype(s). This variant has been observed in one or more individuals affected with the associated recessive disease, as either homozygous or compound heterozygous with a second variant (PMID: 32200022, 32160374). Additionally, this variant has been observed to segregate in affected family members (PMID: 10872988). Functional studies show that this variant may disrupt protein function (PMID: 11479741, 19500388). Computational prediction algorithms indicate this variant is likely to affect gene or protein function. Given the available evidence, this variant is classified as Pathogenic.

CeGaT Center for Human Genetics Tuebingen
Classification: Pathogenic. Last evaluated: 2025-02-01. Review status: criteria provided, single submitter. Criteria: CeGaT Center For Human Genetics Tuebingen Variant Classification Criteria Version 2. Collection method: clinical testing. Allele origin: germline. Affected: yes. Observed: 1 variant allele.
Comment: ALPL: PS4, PM1, PP4:Moderate, PS3:Moderate, PM2:Supporting, PP3

Baylor Genetics
Classification: Pathogenic for Adult hypophosphatasia. Last evaluated: 2024-03-19. Review status: criteria provided, single submitter. Criteria: ACMG Guidelines, 2015. Collection method: clinical testing. Allele origin: unknown.

Greenwood Genetic Center Diagnostic Laboratories, Greenwood Genetic Center
Classification: Pathogenic for Adult hypophosphatasia. Last evaluated: 2023-02-06. Review status: criteria provided, single submitter. Criteria: ACMG Guidelines, 2015. Collection method: clinical testing. Allele origin: germline. Affected: yes.
Comment: PS3, PS4, PM2, PP3

GeneDx
Classification: Pathogenic. Last evaluated: 2022-05-13. Review status: criteria provided, single submitter. Criteria: GeneDx Variant Classification Process June 2021. Collection method: clinical testing. Allele origin: germline. Affected: yes.
Comment: Indentified in individuals with severe childhood hypophosphatasia and lethal hypophosphatasia, who also had a second variant in the ALPL gene (Whyte et al., 2015; Tailandier et al., 2001); Published functional studies demonstrate that A116T results in decreased alkaline phosphatase activity via a dominant-negative effect (Lia-Baldini et al., 2001; Foster et al., 2015); Not observed at significant frequency in large population cohorts (gnomAD); In silico analysis supports that this missense variant has a deleterious effect on protein structure/function; This variant is associated with the following publications: (PMID: 12920074, 25716980, 21168482, 19500388, 10679946, 10872988, 26590809, 28663156, 29236161, 32160374, 11438998, 33160095, 33069919, 34164522, 11479741, 25731960, 27535533)

Blueprint Genetics
Classification: Pathogenic for ALPL-related disorders. Last evaluated: 2020-12-14. Review status: criteria provided, single submitter. Criteria: ACMG Guidelines, 2015. Collection method: clinical testing. Allele origin: germline. Affected: yes. Observed: 2 variant alleles.

Women's Health and Genetics/Laboratory Corporation of America, LabCorp
Classification: Pathogenic for Hypophosphatasia. Last evaluated: 2019-10-28. Review status: criteria provided, single submitter. Criteria: LabCorp Variant Classification Summary - May 2015. Collection method: clinical testing. Allele origin: germline.
Comment: Variant summary: ALPL c.346G>A (p.Ala116Thr) results in a non-conservative amino acid change in the encoded protein sequence. Five of five in-silico tools predict a damaging effect of the variant on protein function. The variant was absent in 251048 control chromosomes (gnomAD). c.346G>A has been reported in the literature in multiple individuals affected with Hypophosphatasia (Hu_2000, Herasse_2003, Whyte_2015). These data indicate that the variant is very likely to be associated with disease. In vitro studies show that this variant leads to severely reduced alkaline phosphatase activity, also showing a weak dominant negative effect when co-expressed with the wild-type enzyme (Lia-Baldini_2001, Fauvert_2009, Ishida_2011) with consistent finding by an in vivo mouse model study (Foster_2011). Four ClinVar submissions (evaluation after 2014) cites the variant as pathogenic. Based on the evidence outlined above, the variant was classified as pathogenic.

Eurofins Ntd Llc (ga)
Classification: Pathogenic. Last evaluated: 2017-03-02. Review status: criteria provided, single submitter. Criteria: EGL Classification Definitions 2015. Collection method: clinical testing. Allele origin: germline. Observed: 1 variant allele, 1 heterozygote.

Center for Pediatric Genomic Medicine, Children's Mercy Hospital and Clinics
Classification: Pathogenic. Last evaluated: 2016-01-12. Review status: criteria provided, single submitter. Criteria: ACMG Guidelines, 2015. Collection method: clinical testing. Allele origin: germline.

Juno Genomics, Hangzhou Juno Genomics, Inc
Classification: Pathogenic for Adult hypophosphatasia; Childhood hypophosphatasia; Infantile hypophosphatasia. Review status: criteria provided, single submitter. Criteria: ACMG Guidelines, 2015. Collection method: clinical testing. Allele origin: germline.
Comment: Absent from controls (or at extremely low frequency if recessive) in Genome Aggregation Database.;Multiple lines of computational evidence support a deleterious effect on the gene or gene product.;The prevalence of the variant in affected individuals is significantly increased compared to the prevalence in controls.;For recessive disorders, detected in trans with a pathogenic variant.;Patient's phenotype or family history is highly specific for a disease with a single genetic etiology.

PreventionGenetics, part of Exact Sciences
Classification: Pathogenic for ALPL-related condition. Last evaluated: 2024-02-28. Review status: no assertion criteria provided. Collection method: clinical testing. Allele origin: germline. Not counted in ClinVar's aggregate classification.
Comment: The ALPL c.346G>A variant is predicted to result in the amino acid substitution p.Ala116Thr. This variant has been documented to be causative for both autosomal dominant and autosomal recessive hypophosphatasia (HPP), and functional studies support its pathogenicity (see examples: Hu et al. 2000. PubMed ID: 10872988; Taillandier et al. 2001. PubMed ID: 11438998; Herasse et al. 2003. PubMed ID: 12920074; Fauvert et al. 2009. PubMed ID: 19500388; Ishida et al. 2011. PubMed ID: 21168482). This variant is also referred to as p.Ala99Thr in the literature. This variant has not been reported in a large population database, indicating this variant is rare. This variant is classified as pathogenic.

Counsyl
Classification: Likely pathogenic for Infantile hypophosphatasia. Last evaluated: 2014-10-24. Review status: no assertion criteria provided. Collection method: literature only. Allele origin: unknown. Inheritance: Autosomal recessive inheritance. Not counted in ClinVar's aggregate classification.

OMIM
Classification: Pathogenic for HYPOPHOSPHATASIA, CHILDHOOD. Last evaluated: 2003-08-01. Review status: no assertion criteria provided. Collection method: literature only. Allele origin: germline. Not counted in ClinVar's aggregate classification.

OMIM
Classification: Pathogenic for HYPOPHOSPHATASIA, ADULT. Last evaluated: 2003-08-01. Review status: no assertion criteria provided. Collection method: literature only. Allele origin: germline. Not counted in ClinVar's aggregate classification.

OMIM
Classification: Pathogenic for ODONTOHYPOPHOSPHATASIA. Last evaluated: 2003-08-01. Review status: no assertion criteria provided. Collection method: literature only. Allele origin: germline. Not counted in ClinVar's aggregate classification.

Literature cited by the submitters: PubMed 10679946 (cited by Labcorp Genetics (formerly Invitae), Labcorp and Counsyl); PubMed 10872988 (cited by 5 submitters); PubMed 11438998 (cited by 3 submitters); PubMed 12920074 (cited by 4 submitters); PubMed 25731960 (cited by 3 submitters); PubMed 21168482 (cited by 4 submitters); PubMed 25716980 (cited by Labcorp Genetics (formerly Invitae), Labcorp and Women's Health and Genetics/Laboratory Corporation of America, LabCorp); PubMed 35878747 (cited by Genomenon, Inc); PubMed 38884565 (cited by Genomenon, Inc); PubMed 28663156 (cited by Genomenon, Inc); PubMed 32973344 (cited by Genomenon, Inc); PubMed 34164522 (cited by Genomenon, Inc); PubMed 11479741 (cited by 5 submitters); PubMed 19500388 (cited by 4 submitters); PubMed 25982064 (cited by Genomenon, Inc); PubMed 32200022 (cited by Natera, Inc.); PubMed 32160374 (cited by Natera, Inc.).

NM_000478.6(ALPL):c.346G>A (p.Ala116Thr)

Gene: ALPL (alkaline phosphatase, biomineralization associated; plus strand). Cytogenetic location: 1p36.12.
Variant type: single nucleotide variant.
Coding change: c.346G>A on transcript NM_000478.6 (MANE Select); coding-DNA position 346, G replaced by A.
Protein change: p.Ala116Thr; replaces alanine 116 with threonine.
Molecular consequence: missense variant.
Genome position (GRCh38, 1-based): chr1:21,563,158, G>A. VCF-style: chr1-21563158-G-A. GRCh37 (hg19) VCF-style: chr1-21889651-G-A.
Other names: A99T; c.181G>A, p.Ala61Thr (NM_001127501.4); c.115G>A, p.Ala39Thr (NM_001177520.3); c.346G>A, p.Ala116Thr (NM_001369803.2, NM_001369804.2, NM_001369805.2); short protein forms A116T, A39T, A61T.
Identifiers: ClinVar variation 13677 (VCV000013677.41), dbSNP rs121918013, ClinGen allele CA123348.